The following is an entry in ClinVar:

NM_001256071.3(RNF213):c.11726C>A (p.Ala3909Asp)

Genes: RNF213 (ring finger protein 213; plus strand), RNF213-AS1 (RNF213 antisense RNA 1; minus strand). Cytogenetic location: 17q25.3.
Variant type: single nucleotide variant.
Coding change: c.11726C>A on transcript NM_001256071.3 (MANE Select); coding-DNA position 11726, C replaced by A.
Protein change: p.Ala3909Asp; replaces alanine 3909 with aspartic acid.
Molecular consequence: missense variant.
Genome position (GRCh38, 1-based): chr17:80,363,766, C>A. VCF-style: chr17-80363766-C-A. GRCh37 (hg19) VCF-style: chr17-78337566-C-A.
Other names: c.11873C>A, p.Ala3958Asp (NM_001410195.1, NM_020914.5); short protein forms A3909D, A3958D.
Identifiers: ClinVar variation 3672204 (VCV003672204.2).
Genomic context (GRCh38, chr17:80,363,766, plus strand): 5'-TTTCCATGCCGCTGGAGCTCATCTGCTCCGATGAGCACATGCAAGGCAGCGGGAGCCTGG[C>A]CCAGGCTGTCATCAGGGAAGTCAGGTGAGACCCAGGAGCCCTCACCCACTGCTTCATCTG-3'
Protein context (NP_001243000.2, residues 3899-3919): DEHMQGSGSL[Ala3909Asp]QAVIREVRAQ

ClinVar aggregate classification (germline): Uncertain significance (1 of 4 stars; one submission).

gnomAD v4.1: 31 of 1,613,348 alleles (0.0019%); highest among the groups gnomAD compares: Admixed American, 0.015%; no homozygotes.

Submission:

Labcorp Genetics (formerly Invitae), Labcorp
Classification: Uncertain significance. Last evaluated: 2024-08-12. Review status: criteria provided, single submitter. Criteria: Invitae Variant Classification Sherloc (09022015). Collection method: clinical testing. Allele origin: germline.
Comment: This sequence change replaces alanine, which is neutral and non-polar, with aspartic acid, which is acidic and polar, at codon 3909 of the RNF213 protein (p.Ala3909Asp). This variant is present in population databases (rs765227438, gnomAD 0.002%). This variant has not been reported in the literature in individuals affected with RNF213-related conditions. An algorithm developed to predict the effect of missense changes on protein structure and function (PolyPhen-2) suggests that this variant is likely to be disruptive. In summary, the available evidence is currently insufficient to determine the role of this variant in disease. Therefore, it has been classified as a Variant of Uncertain Significance.